The following is an entry in ClinVar:

NM_001414.4(EIF2B1):c.383dup (p.His128fs)

Gene: EIF2B1 (eukaryotic translation initiation factor 2B subunit alpha; minus strand). Cytogenetic location: 12q24.31.
Variant type: Duplication.
Coding change: c.383dup on transcript NM_001414.4 (MANE Select); coding-DNA position 383, one base duplicated (A; older notation c.383dupA).
Protein change: p.His128fs; shifts the reading frame from histidine 128.
Molecular consequence: frameshift variant.
Genome position (GRCh38, 1-based): chr12:123,627,143, T duplicated on the plus strand (A on the coding strand, the reverse complement: EIF2B1 is on the minus strand). VCF-style (leftmost placement, unchanged base first): chr12-123627142-G-GT. GRCh37 (hg19) VCF-style: chr12-124111689-G-GT.
Other names: short protein forms H128fs.
Identifiers: ClinVar variation 2802843 (VCV002802843.3), dbSNP rs780061310, ClinGen allele CA6860142.
Genomic context (GRCh38, chr12:123,627,142, plus strand): 5'-AAATCGCTTCTTGGCCGCCACGGCTGCTTCCAGGACTCTCAGGACCACTCTGGAGTAGGC[G>GT]TGAGTCAATATTGTCTGTGGACCGAGAAAGCTTTGTCAAAGGGGCAGGCTCCTTGCTGCT-3'

ClinVar aggregate classification (germline): Pathogenic (1 of 4 stars; one submission).

Allele frequency attached by ClinVar (database versions not stated): ExAC 0.00001; gnomAD exomes 0.00001.

Submission:

Labcorp Genetics (formerly Invitae), Labcorp
Classification: Pathogenic. Last evaluated: 2025-11-15. Review status: criteria provided, single submitter. Criteria: Invitae Variant Classification Sherloc (09022015). Collection method: clinical testing. Allele origin: germline.
Comment: This sequence change creates a premature translational stop signal (p.His128Glnfs*22) in the EIF2B1 gene. It is expected to result in an absent or disrupted protein product. Loss-of-function variants in EIF2B1 are known to be pathogenic (PMID: 11835386, 32865661). This variant is present in population databases (rs780061310, gnomAD 0.01%). This variant has not been reported in the literature in individuals affected with EIF2B1-related conditions. ClinVar contains an entry for this variant (Variation ID: 2802843). For these reasons, this variant has been classified as Pathogenic.

Literature cited by the submitters: PubMed 11835386; PubMed 32865661.